The following is an entry in ClinVar:

Conditions:
Breast-ovarian cancer, familial, susceptibility to, 1 (BROVCA1). Also called: BRCA1 Hereditary Breast and Ovarian Cancer; OVARIAN CANCER, SUSCEPTIBILITY TO. Identifiers: Orphanet 145, MedGen C2676676, MONDO:0011450, OMIM 604370. Disease mechanism: loss of function.

Submission:

Brotman Baty Institute, University of Washington
No classification provided (evidence only). Condition: Breast-ovarian cancer, familial 1. Review status: no classification provided. Collection method: in vitro. Allele origin: not applicable. Functional consequence: functionally_normal.
ClinVar note: "not provided" was previously submitted as the classification for the variant. However, the classification appeared to be based only on an observation of functional data so it was converted to no classification on 2025-07-30.

NM_007294.4(BRCA1):c.5405C>G (p.Thr1802Arg)

Gene: BRCA1 (BRCA1 DNA repair associated; minus strand). Cytogenetic location: 17q21.31.
Variant type: single nucleotide variant.
Coding change: c.5405C>G on transcript NM_007294.4 (MANE Select); coding-DNA position 5405, C replaced by G.
Protein change: p.Thr1802Arg; replaces threonine 1802 with arginine.
Molecular consequence: missense variant. On other transcripts: non-coding transcript variant (1), intron variant (1).
Genome position (GRCh38, 1-based): chr17:43,049,122, G>C on the plus strand (C>G on the coding strand, the complement: BRCA1 is on the minus strand). VCF-style: chr17-43049122-G-C. GRCh37 (hg19) VCF-style: chr17-41201139-G-C.
Other names: c.5192C>G, p.Thr1731Arg (NM_001407571.1, NM_001407894.1, NM_001407908.1 and 12 more transcripts); c.5471C>G, p.Thr1824Arg (NM_001407581.1, NM_001407582.1); c.5468C>G, p.Thr1823Arg (NM_001407583.1, NM_001407585.1, NM_001407587.1 and 1 more transcripts); c.5465C>G, p.Thr1822Arg (NM_001407590.1, NM_001407591.1); c.5405C>G, p.Thr1802Arg (NM_001407593.1, NM_001407594.1, NM_001407596.1 and 5 more transcripts); c.5402C>G, p.Thr1801Arg (NM_001407610.1, NM_001407611.1, NM_001407612.1 and 14 more transcripts); c.5399C>G, p.Thr1800Arg (NM_001407628.1, NM_001407629.1, NM_001407630.1 and 13 more transcripts); c.5348C>G, p.Thr1783Arg (NM_001407648.1); and 73 more; short protein forms T1823R, T1755R, T1802R, T698R, T1506R, T1633R, T1674R, T1691R.
Identifiers: ClinVar variation 868054 (VCV000868054.3), dbSNP rs2051072173, ClinGen allele CA10590667.